The following is an entry in ClinVar:

ClinVar aggregate classification (germline): Uncertain significance. Review status: criteria provided, multiple submitters, no conflicts (2 of 4 stars). 6 submissions from 6 submitters: Uncertain significance (6). Last evaluated 2025-08-15.

Conditions:
Primary ciliary dyskinesia. Also called: Ciliary dyskinesia. Identifiers: Orphanet 244, MedGen C0008780, MONDO:0016575, HP:0012265.
Primary ciliary dyskinesia 14. Also called: CILIARY DYSKINESIA, PRIMARY, 14, WITH OR WITHOUT SITUS INVERSUS. Identifiers: Orphanet 244, MedGen C3151136, MONDO:0013434, OMIM 613807.

Allele frequency attached by ClinVar (database versions not stated): ExAC 0.00008; gnomAD exomes 0.00012 and 0.00024; gnomAD 0.00015 and 0.00016; ESP Exome Variant Server 0.00017; TOPMed 0.00017.
gnomAD v4.1: 380 of 1,606,264 alleles (0.024%); highest among the groups gnomAD compares: Middle Eastern, 0.45%; no homozygotes.

Submissions (6):

Department of Genetics, Sultan Qaboos University Hospital
Classification: Uncertain significance for Primary ciliary dyskinesia. Last evaluated: 2025-08-15. Review status: criteria provided, single submitter. Criteria: ACMG Guidelines, 2015. Collection method: research. Allele origin: germline. Affected: yes.

Labcorp Genetics (formerly Invitae), Labcorp
Classification: Uncertain significance for Primary ciliary dyskinesia. Last evaluated: 2024-10-21. Review status: criteria provided, single submitter. Criteria: Invitae Variant Classification Sherloc (09022015). Collection method: clinical testing. Allele origin: germline.
Comment: This sequence change replaces arginine, which is basic and polar, with cysteine, which is neutral and slightly polar, at codon 629 of the CCDC39 protein (p.Arg629Cys). This variant is present in population databases (rs199526690, gnomAD 0.02%). This variant has not been reported in the literature in individuals affected with CCDC39-related conditions. ClinVar contains an entry for this variant (Variation ID: 410380). An algorithm developed to predict the effect of missense changes on protein structure and function (PolyPhen-2) suggests that this variant¬†is likely to be tolerated. In summary, the available evidence is currently insufficient to determine the role of this variant in disease. Therefore, it has been classified as a Variant of Uncertain Significance.

Baylor Genetics
Classification: Uncertain significance for Primary ciliary dyskinesia 14. Last evaluated: 2019-09-06. Review status: criteria provided, single submitter. Criteria: ACMG Guidelines, 2015. Collection method: clinical testing. Allele origin: unknown. Affected: yes.
Comment: This variant was determined to be of uncertain significance according to ACMG Guidelines, 2015 [PMID:25741868].

Fulgent Genetics
Classification: Uncertain significance for Primary ciliary dyskinesia 14. Last evaluated: 2018-10-31. Review status: criteria provided, single submitter. Criteria: ACMG Guidelines, 2015. Collection method: clinical testing. Allele origin: unknown.

Illumina Laboratory Services, Illumina
Classification: Uncertain significance for Primary ciliary dyskinesia 14. Last evaluated: 2018-01-13. Review status: criteria provided, single submitter. Criteria: ICSL Variant Classification Criteria 13 December 2019. Collection method: clinical testing. Allele origin: germline.

Laboratory for Molecular Medicine, Mass General Brigham Personalized Medicine
Classification: Uncertain significance. Last evaluated: 2017-04-03. Review status: criteria provided, single submitter. Criteria: LMM Criteria. Collection method: clinical testing. Allele origin: germline. Observed: 1 variant allele.
Comment: The p.Arg629Cys variant in CCDC39 has not been previously reported in individual s with pulmonary disease, but has been identified in 3/56030 European chromosome s by the Exome Aggregation Consortium (ExAC; dbS NP rs199526690). Computational prediction tools and conservation analysis sugges t that the p.Arg629Cys variant may not impact the protein, though this informati on is not predictive enough to rule out pathogenicity. In summary, the clinical significance of the p.Arg629Cys variant is uncertain.

NM_181426.2(CCDC39):c.1885C>T (p.Arg629Cys)

Gene: CCDC39 (coiled-coil domain 39 molecular ruler complex subunit; minus strand). Cytogenetic location: 3q26.33.
Variant type: single nucleotide variant.
Coding change: c.1885C>T on transcript NM_181426.2 (MANE Select); coding-DNA position 1885, C replaced by T.
Protein change: p.Arg629Cys; replaces arginine 629 with cysteine.
Molecular consequence: missense variant.
Genome position (GRCh38, 1-based): chr3:180,631,582, G>A on the plus strand (C>T on the coding strand, the complement: CCDC39 is on the minus strand). VCF-style: chr3-180631582-G-A. GRCh37 (hg19) VCF-style: chr3-180349370-G-A.
Other names: short protein forms R629C.
Identifiers: ClinVar variation 410380 (VCV000410380.16), dbSNP rs199526690, ClinGen allele CA2715837.